The following is an entry in ClinVar:

NM_014140.4(SMARCAL1):c.638G>T (p.Ser213Ile)

Gene: SMARCAL1 (SNF2 related chromatin remodeling annealing helicase 1; plus strand). Cytogenetic location: 2q35.
Variant type: single nucleotide variant.
Coding change: c.638G>T on transcript NM_014140.4 (MANE Select); coding-DNA position 638, G replaced by T.
Protein change: p.Ser213Ile; replaces serine 213 with isoleucine.
Molecular consequence: missense variant.
Genome position (GRCh38, 1-based): chr2:216,415,342, G>T. VCF-style: chr2-216415342-G-T. GRCh37 (hg19) VCF-style: chr2-217280065-G-T.
Other names: c.638G>T, p.Ser213Ile (NM_001127207.2); short protein forms S213I.
Identifiers: ClinVar variation 1910947 (VCV001910947.2), dbSNP rs754228770, ClinGen allele CA2097631.

ClinVar aggregate classification (germline): Uncertain significance (1 of 4 stars; one submission).

Conditions:
Schimke immuno-osseous dysplasia (SIOD). Also called: Schimke Immunoosseous Dysplasia. Identifiers: Orphanet 1830, MedGen C0877024, MONDO:0009458, OMIM 242900.

Allele frequency attached by ClinVar (database versions not stated): ExAC 0.00001; TOPMed 0.00002.
gnomAD v4.1: 3 of 1,614,260 alleles (0.00019%); highest among the groups gnomAD compares: African/African-American, 0.0027%; no homozygotes.

Submission:

Labcorp Genetics (formerly Invitae), Labcorp
Classification: Uncertain significance for Schimke immuno-osseous dysplasia. Last evaluated: 2021-12-23. Review status: criteria provided, single submitter. Criteria: Invitae Variant Classification Sherloc (09022015). Collection method: clinical testing. Allele origin: germline.
Comment: This sequence change replaces serine, which is neutral and polar, with isoleucine, which is neutral and non-polar, at codon 213 of the SMARCAL1 protein (p.Ser213Ile). This variant is present in population databases (rs754228770, gnomAD 0.01%). This variant has not been reported in the literature in individuals affected with SMARCAL1-related conditions. Algorithms developed to predict the effect of missense changes on protein structure and function (SIFT, PolyPhen-2, Align-GVGD) all suggest that this variant is likely to be tolerated. In summary, the available evidence is currently insufficient to determine the role of this variant in disease. Therefore, it has been classified as a Variant of Uncertain Significance.